The following is an entry in ClinVar:

NM_001388308.1(KIF12):c.1596G>A (p.Gln532=)

Gene: KIF12 (kinesin family member 12; minus strand). Cytogenetic location: 9q32.
Variant type: single nucleotide variant.
Coding change: c.1596G>A on transcript NM_001388308.1 (MANE Select); coding-DNA position 1596, G replaced by A.
Protein change: p.Gln532=; no amino-acid change (glutamine 532 retained).
Molecular consequence: synonymous variant.
Genome position (GRCh38, 1-based): chr9:114,093,229, C>T on the plus strand (G>A on the coding strand, the complement: KIF12 is on the minus strand). VCF-style: chr9-114093229-C-T. GRCh37 (hg19) VCF-style: chr9-116855509-C-T.
Other names: c.1182G>A, p.Gln394= (NM_138424.2).
Identifiers: ClinVar variation 2442400 (VCV002442400.2), dbSNP rs2490320041, ClinGen allele CA466774473.

ClinVar aggregate classification (germline): Uncertain significance (1 of 4 stars; one submission).

Submission:

GeneDx
Classification: Uncertain significance. Last evaluated: 2025-11-19. Review status: criteria provided, single submitter. Criteria: GeneDx Variant Classification Process June 2021. Collection method: clinical testing. Allele origin: germline. Affected: yes.
Comment: Has not been previously published as pathogenic or benign to our knowledge; Not observed at significant frequency in large population cohorts (gnomAD); In silico analysis supports a deleterious effect on splicing